The following is an entry in ClinVar:

ClinVar aggregate classification (germline): Uncertain significance (1 of 4 stars; one submission).

Conditions:
Retinoblastoma (RB1). Also called: RETINOBLASTOMA, SOMATIC. Identifiers: Orphanet 790, MedGen C0035335, MeSH D012175, MONDO:0008380, OMIM 180200, HP:0009919. Disease mechanism: loss of function. Inheritance: Both sporadic and heritable forms are tested..

Submission:

Labcorp Genetics (formerly Invitae), Labcorp
Classification: Uncertain significance for Retinoblastoma. Last evaluated: 2025-01-28. Review status: criteria provided, single submitter. Criteria: Invitae Variant Classification Sherloc (09022015). Collection method: clinical testing. Allele origin: germline.
Comment: This variant occurs in a non-coding region of the RB1 gene. It does not change the encoded amino acid sequence of the RB1 protein. This variant is not present in population databases (gnomAD no frequency). This variant has not been reported in the literature in individuals affected with RB1-related conditions. Experimental studies and prediction algorithms are not available or were not evaluated, and the functional significance of this variant is currently unknown. In summary, the available evidence is currently insufficient to determine the role of this variant in disease. Therefore, it has been classified as a Variant of Uncertain Significance.

NM_000321.3(RB1):c.-152_-147del

Gene: RB1 (RB transcriptional corepressor 1; plus strand). Cytogenetic location: 13q14.2.
Variant type: Deletion.
Coding change: c.-152_-147del on transcript NM_000321.3 (MANE Select); 152 bases upstream of the start codon through 147 bases upstream of the start codon, 6 bases deleted (CGGGGG; older notation c.-152_-147delCGGGGG).
Molecular consequence: 5 prime UTR variant.
Genome position (GRCh38, 1-based): chr13:48,303,761-48,303,766, CGGGGG deleted; deleting any 6 consecutive bases within chr13:48,303,758-48,303,766 gives the same sequence; the c. name uses the placement nearest the transcript's 3' end. VCF-style (leftmost placement, unchanged base first): chr13-48303757-CGGGCGG-C. GRCh37 (hg19) VCF-style: chr13-48877893-CGGGCGG-C.
Other names: c.-152_-147del (NM_001407165.1, NM_001407166.1, NM_001407167.1).
Identifiers: ClinVar variation 3644535 (VCV003644535.2).